The following is an entry in ClinVar:

ClinVar aggregate classification (germline): Uncertain significance (1 of 4 stars; one submission).

Submission:

Labcorp Genetics (formerly Invitae), Labcorp
Classification: Uncertain significance. Last evaluated: 2021-08-21. Review status: criteria provided, single submitter. Criteria: Invitae Variant Classification Sherloc (09022015). Collection method: clinical testing. Allele origin: germline.
Comment: This sequence change replaces glutamic acid with glycine at codon 1097 of the SBF1 protein (p.Glu1097Gly). The glutamic acid residue is moderately conserved and there is a moderate physicochemical difference between glutamic acid and glycine. This variant is not present in population databases (ExAC no frequency). This variant has not been reported in the literature in individuals affected with SBF1-related conditions. Algorithms developed to predict the effect of missense changes on protein structure and function are either unavailable or do not agree on the potential impact of this missense change (SIFT: "Deleterious"; PolyPhen-2: "Benign"; Align-GVGD: "Class C0"). In summary, the available evidence is currently insufficient to determine the role of this variant in disease. Therefore, it has been classified as a Variant of Uncertain Significance.

NM_002972.4(SBF1):c.3290A>G (p.Glu1097Gly)

Gene: SBF1 (SET binding factor 1; minus strand). Cytogenetic location: 22q13.33.
Variant type: single nucleotide variant.
Coding change: c.3290A>G on transcript NM_002972.4 (MANE Select); coding-DNA position 3290, A replaced by G.
Protein change: p.Glu1097Gly; replaces glutamic acid 1097 with glycine.
Molecular consequence: missense variant.
Genome position (GRCh38, 1-based): chr22:50,460,153, T>C on the plus strand (A>G on the coding strand, the complement: SBF1 is on the minus strand). VCF-style: chr22-50460153-T-C. GRCh37 (hg19) VCF-style: chr22-50898582-T-C.
Other names: c.3293A>G, p.Glu1098Gly (NM_001365819.1); short protein forms E1098G, E1097G.
Identifiers: ClinVar variation 1376686 (VCV001376686.6), dbSNP rs2148584851, ClinGen allele CA412205239.